The following is an entry in ClinVar:

ClinVar aggregate classification (germline): Likely pathogenic. Review status: criteria provided, multiple submitters, no conflicts (2 of 4 stars). 3 submissions from 3 submitters: Likely pathogenic (2). 1 of the submissions does not count toward it. Last evaluated 2024-04-25.

Conditions:
Joubert syndrome 28 (JBTS28). Identifiers: MedGen C4310705, MONDO:0014928, OMIM 617121.
Bardet-Biedl syndrome 13 (BBS13). Identifiers: Orphanet 110, MedGen C2673873, MONDO:0014441, OMIM 615990.
Meckel syndrome, type 1 (MKS1). Also called: MECKEL-GRUBER SYNDROME, TYPE 1. Identifiers: Orphanet 564, MedGen C3714506, MONDO:0009571, OMIM 249000.

Allele frequency attached by ClinVar (database versions not stated): gnomAD exomes below 0.00001.

Submissions (3):

Natera, Inc.
Classification: Likely pathogenic for Meckel syndrome type 1. Last evaluated: 2024-04-25. Review status: criteria provided, single submitter. Criteria: Natera Variant Classification Schema (03/2026). Collection method: clinical testing. Allele origin: germline.
Comment: The c.1491-2A>G variant in MKS1 is a canonical splice acceptor site variant predicted to affect pre-mRNA splicing, which may result in an abnormal transcript and altered protein product. This variant is expected to result in nonsense mediated decay, truncation, or a dysfunctional protein product. This variant is rare in the general population with a frequency below the threshold expected for the associated phenotype(s). Given the available evidence, this variant is classified as Likely Pathogenic.

Fulgent Genetics
Classification: Likely pathogenic for Meckel syndrome, type 1; Bardet-Biedl syndrome 13; Joubert syndrome 28. Last evaluated: 2024-03-30. Review status: criteria provided, single submitter. Criteria: ACMG Guidelines, 2015. Collection method: clinical testing. Allele origin: germline.

OMIM
Classification: Pathogenic for JOUBERT SYNDROME 28. Last evaluated: 2016-09-23. Review status: no assertion criteria provided. Collection method: literature only. Allele origin: germline. Not counted in ClinVar's aggregate classification.

Literature cited by the submitters: PubMed 24886560 (cited by OMIM).

NM_017777.4(MKS1):c.1491-2A>G

Gene: MKS1 (MKS transition zone complex subunit 1; minus strand). Cytogenetic location: 17q22.
Variant type: single nucleotide variant.
Coding change: c.1491-2A>G on transcript NM_017777.4 (MANE Select); the canonical splice acceptor site of the intron before coding-DNA position 1491, A replaced by G.
Molecular consequence: splice acceptor variant.
Genome position (GRCh38, 1-based): chr17:58,206,382, T>C on the plus strand (A>G on the coding strand, the complement: MKS1 is on the minus strand). VCF-style: chr17-58206382-T-C. GRCh37 (hg19) VCF-style: chr17-56283743-T-C.
Other names: IVS16AS, A-G, -2; c.1491-2A>G (NM_017777.3); c.882-2A>G (NM_001321268.2); c.1274-2A>G (NM_001330397.2); c.1408-2A>G (NM_001321269.2).
Identifiers: ClinVar variation 254675 (VCV000254675.2), dbSNP rs886038203, ClinGen allele CA10586693.